The following is an entry in ClinVar:

ClinVar aggregate classification (germline): Uncertain significance (1 of 4 stars; one submission).

gnomAD v4.1: 1 of 1,614,224 alleles (0.000062%); highest among the groups gnomAD compares: Non-Finnish European, 0.000085%; no homozygotes.

Submission:

Labcorp Genetics (formerly Invitae), Labcorp
Classification: Uncertain significance. Last evaluated: 2023-02-13. Review status: criteria provided, single submitter. Criteria: Invitae Variant Classification Sherloc (09022015). Collection method: clinical testing. Allele origin: germline.
Comment: This variant has not been reported in the literature in individuals affected with CAPN5-related conditions. In summary, the available evidence is currently insufficient to determine the role of this variant in disease. Therefore, it has been classified as a Variant of Uncertain Significance. Advanced modeling of protein sequence and biophysical properties (such as structural, functional, and spatial information, amino acid conservation, physicochemical variation, residue mobility, and thermodynamic stability) performed at Invitae indicates that this missense variant is expected to disrupt CAPN5 protein function. This variant is not present in population databases (gnomAD no frequency). This sequence change replaces glycine, which is neutral and non-polar, with valine, which is neutral and non-polar, at codon 191 of the CAPN5 protein (p.Gly191Val).

NM_004055.5(CAPN5):c.572G>T (p.Gly191Val)

Gene: CAPN5 (calpain 5; plus strand). Cytogenetic location: 11q13.5.
Variant type: single nucleotide variant.
Coding change: c.572G>T on transcript NM_004055.5 (MANE Select); coding-DNA position 572, G replaced by T.
Protein change: p.Gly191Val; replaces glycine 191 with valine.
Molecular consequence: missense variant.
Genome position (GRCh38, 1-based): chr11:77,114,307, G>T. VCF-style: chr11-77114307-G-T. GRCh37 (hg19) VCF-style: chr11-76825353-G-T.
Other names: c.692G>T, p.Gly231Val (NM_001425321.1); c.572G>T, p.Gly191Val (NM_001425322.1); c.440G>T, p.Gly147Val (NM_001425323.1); short protein forms G147V, G231V, G191V.
Identifiers: ClinVar variation 2836746 (VCV002836746.3), dbSNP rs1046217126, ClinGen allele CA381937854.